The following is an entry in ClinVar:

NM_020791.4(TAOK1):c.1909-117_1921del

Gene: TAOK1 (TAO kinase 1; plus strand). Cytogenetic location: 17q11.2.
Variant type: Deletion.
Coding change: c.1909-117_1921del on transcript NM_020791.4 (MANE Select); 117 bases into the intron before coding-DNA position 1909 through coding-DNA position 1921, 130 bases deleted.
Molecular consequence: splice acceptor variant. On other transcripts: intron variant (1).
Genome position (GRCh38, 1-based): chr17:29,522,163-29,522,292, 130 bases deleted. GRCh37 (hg19): chr17:27,849,181-27,849,310.
Other names: c.1705-8244_1705-8115del (NM_025142.1).
Identifiers: ClinVar variation 3764334 (VCV003764334.1).

ClinVar aggregate classification (germline): Uncertain significance (1 of 4 stars; one submission).

Submission:

GeneDx
Classification: Uncertain significance. Last evaluated: 2024-08-16. Review status: criteria provided, single submitter. Criteria: GeneDx Variant Classification Process June 2021. Collection method: clinical testing. Allele origin: germline. Affected: yes.
Comment: Partial gene deletion impacting a canonical splice site and predicted to result in an in-frame loss of the adjacent exon in a gene for which loss of function is a known mechanism of disease; Has not been previously published as pathogenic or benign to our knowledge; No data available from control populations to assess the frequency of this variant